The following is an entry in ClinVar:

ClinVar aggregate classification (germline): Uncertain significance (1 of 4 stars; one submission).

Allele frequency attached by ClinVar (database versions not stated): TOPMed below 0.00001; gnomAD 0.00001.
gnomAD v4.1: 1 of 1,612,290 alleles (0.000062%); highest among the groups gnomAD compares: Admixed American, 0.0017%; no homozygotes.

Submission:

GeneDx
Classification: Uncertain significance. Last evaluated: 2020-07-17. Review status: criteria provided, single submitter. Criteria: GeneDx Variant Classification Process June 2021. Collection method: clinical testing. Allele origin: germline. Affected: yes.
Comment: Not observed in large population cohorts (Lek et al., 2016); In silico analysis, which includes protein predictors and evolutionary conservation, supports that this variant does not alter protein structure/function; Has not been previously published as pathogenic or benign to our knowledge

NM_001366385.1(CARD14):c.1480G>C (p.Glu494Gln)

Gene: CARD14 (caspase recruitment domain family member 14; plus strand). Cytogenetic location: 17q25.3.
Variant type: single nucleotide variant.
Coding change: c.1480G>C on transcript NM_001366385.1 (MANE Select); coding-DNA position 1480, G replaced by C.
Protein change: p.Glu494Gln; replaces glutamic acid 494 with glutamine.
Molecular consequence: missense variant. On other transcripts: non-coding transcript variant (1).
Genome position (GRCh38, 1-based): chr17:80,195,314, G>C. VCF-style: chr17-80195314-G-C. GRCh37 (hg19) VCF-style: chr17-78169113-G-C.
Other names: c.1480G>C, p.Glu494Gln (NM_001257970.1, NM_024110.4); c.769G>C, p.Glu257Gln (NM_052819.3); short protein forms E257Q, E494Q.
Identifiers: ClinVar variation 1306356 (VCV001306356.2), dbSNP rs1279576860, ClinGen allele CA401349190.